The following is an entry in ClinVar:

ClinVar aggregate classification (germline): Uncertain significance (1 of 4 stars; one submission).

Submission:

Labcorp Genetics (formerly Invitae), Labcorp
Classification: Uncertain significance. Last evaluated: 2022-03-12. Review status: criteria provided, single submitter. Criteria: Invitae Variant Classification Sherloc (09022015). Collection method: clinical testing. Allele origin: germline.
Comment: In summary, the available evidence is currently insufficient to determine the role of this variant in disease. Therefore, it has been classified as a Variant of Uncertain Significance. Algorithms developed to predict the effect of missense changes on protein structure and function are either unavailable or do not agree on the potential impact of this missense change (SIFT: "Deleterious"; PolyPhen-2: "Possibly Damaging"; Align-GVGD: "Class C0"). This variant has not been reported in the literature in individuals affected with RP1-related conditions. This variant is not present in population databases (gnomAD no frequency). This sequence change replaces threonine, which is neutral and polar, with isoleucine, which is neutral and non-polar, at codon 1865 of the RP1 protein (p.Thr1865Ile).

NM_006269.2(RP1):c.5594C>T (p.Thr1865Ile)

Genes: RP1 (RP1 axonemal microtubule associated; plus strand), LOC126860392 (CDK7 strongly-dependent group 2 enhancer GRCh37_chr8:55541319-55542518; plus strand). Cytogenetic location: 8q12.1.
Variant type: single nucleotide variant.
Coding change: c.5594C>T on transcript NM_006269.2 (MANE Select); coding-DNA position 5594, C replaced by T.
Protein change: p.Thr1865Ile; replaces threonine 1865 with isoleucine.
Molecular consequence: missense variant. On other transcripts: intron variant (1).
Genome position (GRCh38, 1-based): chr8:54,629,476, C>T. VCF-style: chr8-54629476-C-T. GRCh37 (hg19) VCF-style: chr8-55542036-C-T.
Other names: c.787+7188C>T (NM_001375654.1); short protein forms T1865I.
Identifiers: ClinVar variation 1934735 (VCV001934735.5), dbSNP rs2536590378, ClinGen allele CA370987375.